The following is an entry in ClinVar:

ClinVar aggregate classification (germline): Uncertain significance. Review status: criteria provided, multiple submitters, no conflicts (2 of 4 stars). 2 submissions from 2 submitters: Uncertain significance (2). Last evaluated 2025-03-22.

Allele frequency attached by ClinVar (database versions not stated): gnomAD exomes 0.00001; gnomAD 0.00002; TOPMed 0.00003; 1000 Genomes Project 30x 0.00016.
gnomAD v4.1: 13 of 1,614,222 alleles (0.00081%); highest among the groups gnomAD compares: East Asian, 0.025%; no homozygotes.

Submissions (2):

Labcorp Genetics (formerly Invitae), Labcorp
Classification: Uncertain significance. Last evaluated: 2025-03-22. Review status: criteria provided, single submitter. Criteria: Invitae Variant Classification Sherloc (09022015). Collection method: clinical testing. Allele origin: germline.
Comment: This sequence change replaces lysine, which is basic and polar, with asparagine, which is neutral and polar, at codon 816 of the HYOU1 protein (p.Lys816Asn). This variant is present in population databases (rs199894442, gnomAD 0.07%), and has an allele count higher than expected for a pathogenic variant. This variant has not been reported in the literature in individuals affected with HYOU1-related conditions. ClinVar contains an entry for this variant (Variation ID: 1931159). An algorithm developed to predict the effect of missense changes on protein structure and function (PolyPhen-2) suggests that this variant is likely to be tolerated. In summary, the available evidence is currently insufficient to determine the role of this variant in disease. Therefore, it has been classified as a Variant of Uncertain Significance.

Ambry Genetics
Classification: Uncertain significance. Last evaluated: 2024-03-26. Review status: criteria provided, single submitter. Criteria: Ambry Variant Classification Scheme 2023. Collection method: clinical testing. Allele origin: germline.

NM_006389.5(HYOU1):c.2448G>T (p.Lys816Asn)

Gene: HYOU1 (hypoxia up-regulated 1; minus strand). Cytogenetic location: 11q23.3.
Variant type: single nucleotide variant.
Coding change: c.2448G>T on transcript NM_006389.5 (MANE Select); coding-DNA position 2448, G replaced by T.
Protein change: p.Lys816Asn; replaces lysine 816 with asparagine.
Molecular consequence: missense variant.
Genome position (GRCh38, 1-based): chr11:119,048,009, C>A on the plus strand (G>T on the coding strand, the complement: HYOU1 is on the minus strand). VCF-style: chr11-119048009-C-A. GRCh37 (hg19) VCF-style: chr11-118918721-C-A.
Other names: c.2448G>T (NM_006389.3); c.2448G>T, p.Lys816Asn (NM_001130991.3, NM_001411041.1); short protein forms K816N.
Identifiers: ClinVar variation 1931159 (VCV001931159.4), dbSNP rs199894442, ClinGen allele CA229618205.